The following is an entry in ClinVar:

ClinVar aggregate classification (germline): Uncertain significance (1 of 4 stars; one submission).

Submission:

Labcorp Genetics (formerly Invitae), Labcorp
Classification: Uncertain significance. Last evaluated: 2023-08-10. Review status: criteria provided, single submitter. Criteria: Invitae Variant Classification Sherloc (09022015). Collection method: clinical testing. Allele origin: germline.
Comment: In summary, the available evidence is currently insufficient to determine the role of this variant in disease. Therefore, it has been classified as a Variant of Uncertain Significance. Experimental studies and prediction algorithms are not available or were not evaluated, and the functional significance of this variant is currently unknown. This variant, c.1795_1797del, results in the deletion of 1 amino acid(s) of the PDE6C protein (p.Ala599del), but otherwise preserves the integrity of the reading frame. This variant is not present in population databases (gnomAD no frequency). This variant has been observed in individual(s) with clinical features of achromatopsia (Invitae). In at least one individual the data is consistent with being in trans (on the opposite chromosome) from a pathogenic variant.

NM_006204.4(PDE6C):c.1789GCT[2] (p.Ala599del)

Gene: PDE6C (phosphodiesterase 6C; plus strand). Cytogenetic location: 10q23.33.
Variant type: Microsatellite.
Coding change: c.1789GCT[2] on transcript NM_006204.4 (MANE Select); two copies in a row of the 3-base unit GCT starting at c.1789; the reference has three copies in a row; one copy, 3 bases deleted.
Protein change: p.Ala599del; deletes alanine 599.
Molecular consequence: inframe deletion.
Genome position (GRCh38, 1-based): chr10:93,640,977-93,640,979, GCT deleted; deleting any 3 consecutive bases within chr10:93,640,970-93,640,979 gives the same sequence; the position shown is the placement nearest the transcript's 3' end. VCF-style (leftmost placement, unchanged base first): chr10-93640969-TTGC-T. GRCh37 (hg19) VCF-style: chr10-95400726-TTGC-T.
Other names: short protein forms A599del.
Identifiers: ClinVar variation 1382898 (VCV001382898.6), dbSNP rs2058556950, ClinGen allele CA1928713482.